The following is an entry in ClinVar:

NM_025074.7(FRAS1):c.9553G>A (p.Gly3185Arg)

Gene: FRAS1 (Fraser extracellular matrix complex subunit 1; plus strand). Cytogenetic location: 4q21.21.
Variant type: single nucleotide variant.
Coding change: c.9553G>A on transcript NM_025074.7 (MANE Select); coding-DNA position 9553, G replaced by A.
Protein change: p.Gly3185Arg; replaces glycine 3185 with arginine.
Molecular consequence: missense variant.
Genome position (GRCh38, 1-based): chr4:78,508,779, G>A. VCF-style: chr4-78508779-G-A. GRCh37 (hg19) VCF-style: chr4-79429933-G-A.
Other names: short protein forms G3185R.
Identifiers: ClinVar variation 198334 (VCV000198334.18), dbSNP rs202095663, ClinGen allele CA203367.
Genomic context (GRCh38, chr4:78,508,779, plus strand): 5'-GCTCTTTCGCAGGTGGTCACACTTGCTGACTATGACCATGTGGAAGAAGTTACCAAGGAA[G>A]GAGTCAAGAAATCCCCCTCCCCAGGCTACCCACTGGTCTGTGTCACCCCCTGCGACCCTC-3'
Protein context (NP_079350.5, residues 3175-3195): YDHVEEVTKE[Gly3185Arg]VKKSPSPGYP

ClinVar aggregate classification (germline): Conflicting classifications of pathogenicity. Review status: criteria provided, conflicting classifications (1 of 4 stars). 5 submissions from 5 submitters: Uncertain significance (2); Likely benign (2). 1 of the submissions does not count toward it. Last evaluated 2026-01-31.

Conditions:
FRAS1-related disorder. Also called: FRAS1-related condition.
Inborn genetic diseases. Identifiers: MedGen C0950123, MeSH D030342.

Allele frequency attached by ClinVar (database versions not stated): gnomAD exomes 0.00022 and 0.00048; ExAC 0.00045; 1000 Genomes Project 30x 0.00109; 1000 Genomes Project 0.00120; ESP Exome Variant Server 0.00154; gnomAD 0.00216 and 0.00230; TOPMed 0.00228.
gnomAD v4.1: 663 of 1,613,730 alleles (0.041%); highest among the groups gnomAD compares: African/African-American, 0.83%; 2 homozygotes.

Submissions (5):

Labcorp Genetics (formerly Invitae), Labcorp
Classification: Likely benign. Last evaluated: 2026-01-31. Review status: criteria provided, single submitter. Criteria: Invitae Variant Classification Sherloc (09022015). Collection method: clinical testing. Allele origin: germline.

Ambry Genetics
Classification: Uncertain significance for Inborn genetic diseases. Last evaluated: 2024-05-15. Review status: criteria provided, single submitter. Criteria: Ambry Variant Classification Scheme 2023. Collection method: clinical testing. Allele origin: germline.

GeneDx
Classification: Uncertain significance. Last evaluated: 2024-03-05. Review status: criteria provided, single submitter. Criteria: GeneDx Variant Classification Process June 2021. Collection method: clinical testing. Allele origin: germline. Affected: yes.
Comment: Identified in an individual with kidney and urinary tract disease in published literature who also harbored the p.(E2195G) variant on the same allele (in cis) (PMID: 35368817); In silico analysis supports that this missense variant has a deleterious effect on protein structure/function; This variant is associated with the following publications: (PMID: 35368817)

Eurofins Ntd Llc (ga)
Classification: Likely benign. Last evaluated: 2015-02-23. Review status: criteria provided, single submitter. Criteria: EGL Classification Definitions 2015. Collection method: clinical testing. Allele origin: germline. Observed: 2 variant alleles, 2 heterozygotes.

PreventionGenetics, part of Exact Sciences
Classification: Benign for FRAS1-related condition. Last evaluated: 2019-08-13. Review status: no assertion criteria provided. Collection method: clinical testing. Allele origin: germline. Not counted in ClinVar's aggregate classification.
Comment: This variant is classified as benign based on ACMG/AMP sequence variant interpretation guidelines (Richards et al. 2015 PMID: 25741868, with internal and published modifications).